The following is an entry in ClinVar:

NM_003482.4(KMT2D):c.8999A>G (p.His3000Arg)

Gene: KMT2D (lysine methyltransferase 2D; minus strand). Cytogenetic location: 12q13.12.
Variant type: single nucleotide variant.
Coding change: c.8999A>G on transcript NM_003482.4 (MANE Select); coding-DNA position 8999, A replaced by G.
Protein change: p.His3000Arg; replaces histidine 3000 with arginine.
Molecular consequence: missense variant.
Genome position (GRCh38, 1-based): chr12:49,038,357, T>C on the plus strand (A>G on the coding strand, the complement: KMT2D is on the minus strand). VCF-style: chr12-49038357-T-C. GRCh37 (hg19) VCF-style: chr12-49432140-T-C.
Other names: short protein forms H3000R.
Identifiers: ClinVar variation 2997188 (VCV002997188.3), dbSNP rs1943324151, ClinGen allele CA384740026.
Genomic context (GRCh38, chr12:49,038,357, plus strand): 5'-TTGGCCACATCCACACCCAGACCCAGGTGAGCAAGCTCTTCATCATCCTCTAGGGCCTTG[T>C]GGGCATCAAAATCGTCATCCAGCTCGGGATCCTCACAGGGCAACTTCCCAGCTTCCAGGG-3'
Protein context (NP_003473.3, residues 2990-3010): DPELDDDFDA[His3000Arg]KALEDDEELA

ClinVar aggregate classification (germline): Uncertain significance (1 of 4 stars; one submission).

Conditions:
Kabuki syndrome. Also called: NIIKAWA-KUROKI SYNDROME; Kabuki make-up syndrome. Identifiers: Orphanet 2322, MedGen C0796004, MONDO:0016512.

Allele frequency attached by ClinVar (database versions not stated): gnomAD exomes below 0.00001; TOPMed below 0.00001.
gnomAD v4.1: 2 of 1,613,890 alleles (0.00012%); highest among the groups gnomAD compares: Non-Finnish European, 0.00017%; no homozygotes.

Submission:

Labcorp Genetics (formerly Invitae), Labcorp
Classification: Uncertain significance for Kabuki syndrome. Last evaluated: 2023-12-27. Review status: criteria provided, single submitter. Criteria: Invitae Variant Classification Sherloc (09022015). Collection method: clinical testing. Allele origin: germline.
Comment: This sequence change replaces histidine, which is basic and polar, with arginine, which is basic and polar, at codon 3000 of the KMT2D protein (p.His3000Arg). This variant is not present in population databases (gnomAD no frequency). This variant has not been reported in the literature in individuals affected with KMT2D-related conditions. Advanced modeling of protein sequence and biophysical properties (such as structural, functional, and spatial information, amino acid conservation, physicochemical variation, residue mobility, and thermodynamic stability) performed at Invitae indicates that this missense variant is not expected to disrupt KMT2D protein function with a negative predictive value of 95%. In summary, the available evidence is currently insufficient to determine the role of this variant in disease. Therefore, it has been classified as a Variant of Uncertain Significance.